The following is an entry in ClinVar:

ClinVar aggregate classification (germline): Uncertain significance (1 of 4 stars; one submission).

Submission:

Labcorp Genetics (formerly Invitae), Labcorp
Classification: Uncertain significance. Last evaluated: 2023-12-11. Review status: criteria provided, single submitter. Criteria: Invitae Variant Classification Sherloc (09022015). Collection method: clinical testing. Allele origin: germline.
Comment: This sequence change replaces methionine, which is neutral and non-polar, with isoleucine, which is neutral and non-polar, at codon 453 of the COL11A1 protein (p.Met453Ile). This variant is not present in population databases (gnomAD no frequency). This variant has not been reported in the literature in individuals affected with COL11A1-related conditions. Advanced modeling of protein sequence and biophysical properties (such as structural, functional, and spatial information, amino acid conservation, physicochemical variation, residue mobility, and thermodynamic stability) performed at Invitae indicates that this missense variant is not expected to disrupt COL11A1 protein function with a negative predictive value of 95%. In summary, the available evidence is currently insufficient to determine the role of this variant in disease. Therefore, it has been classified as a Variant of Uncertain Significance.

NM_001854.4(COL11A1):c.1359G>C (p.Met453Ile)

Gene: COL11A1 (collagen type XI alpha 1 chain; minus strand). Cytogenetic location: 1p21.1.
Variant type: single nucleotide variant.
Coding change: c.1359G>C on transcript NM_001854.4 (MANE Select); coding-DNA position 1359, G replaced by C.
Protein change: p.Met453Ile; replaces methionine 453 with isoleucine.
Molecular consequence: missense variant. On other transcripts: non-coding transcript variant (1).
Genome position (GRCh38, 1-based): chr1:103,017,874, C>G on the plus strand (G>C on the coding strand, the complement: COL11A1 is on the minus strand). VCF-style: chr1-103017874-C-G. GRCh37 (hg19) VCF-style: chr1-103483430-C-G.
Other names: c.1395G>C, p.Met465Ile (NM_080629.3); c.1011G>C, p.Met337Ile (NM_080630.4, NM_001168249.1); c.1242G>C, p.Met414Ile (NM_001190709.2); short protein forms M337I, M453I, M414I, M465I.
Identifiers: ClinVar variation 2702280 (VCV002702280.3), dbSNP rs755173952, ClinGen allele CA341179717.